The following is an entry in ClinVar:

NM_000455.5(STK11):c.176C>T (p.Ser59Phe)

Gene: STK11 (serine/threonine kinase 11; plus strand). Cytogenetic location: 19p13.3.
Variant type: single nucleotide variant.
Coding change: c.176C>T on transcript NM_000455.5 (MANE Select); coding-DNA position 176, C replaced by T.
Protein change: p.Ser59Phe; replaces serine 59 with phenylalanine.
Molecular consequence: missense variant.
Genome position (GRCh38, 1-based): chr19:1,207,089, C>T. VCF-style: chr19-1207089-C-T. GRCh37 (hg19) VCF-style: chr19-1207088-C-T.
Other names: short protein forms S59F.
Identifiers: ClinVar variation 661177 (VCV000661177.8), dbSNP rs876661128, ClinGen allele CA402944180.

ClinVar aggregate classification (germline): Uncertain significance (1 of 4 stars; one submission).

Conditions:
Peutz-Jeghers syndrome (PJS). Also called: POLYPOSIS, HAMARTOMATOUS INTESTINAL; POLYPS-AND-SPOTS SYNDROME; Peutz-Jeghers polyposis; Periorificial lentiginosis syndrome. Identifiers: Orphanet 2869, MedGen C0031269, MeSH D010580, MONDO:0008280, OMIM 175200.

Submission:

Labcorp Genetics (formerly Invitae), Labcorp
Classification: Uncertain significance for Peutz-Jeghers syndrome. Last evaluated: 2022-09-01. Review status: criteria provided, single submitter. Criteria: Invitae Variant Classification Sherloc (09022015). Collection method: clinical testing. Allele origin: germline.
Comment: In summary, the available evidence is currently insufficient to determine the role of this variant in disease. Therefore, it has been classified as a Variant of Uncertain Significance. This sequence change replaces serine, which is neutral and polar, with phenylalanine, which is neutral and non-polar, at codon 59 of the STK11 protein (p.Ser59Phe). This variant is not present in population databases (gnomAD no frequency). This variant has not been reported in the literature in individuals affected with STK11-related conditions. ClinVar contains an entry for this variant (Variation ID: 661177). Advanced modeling of protein sequence and biophysical properties (such as structural, functional, and spatial information, amino acid conservation, physicochemical variation, residue mobility, and thermodynamic stability) performed at Invitae indicates that this missense variant is expected to disrupt STK11 protein function.